The following is an entry in ClinVar:

ClinVar aggregate classification (germline): Uncertain significance (1 of 4 stars; one submission).

Allele frequency attached by ClinVar (database versions not stated): TOPMed below 0.00001.

Submission:

Labcorp Genetics (formerly Invitae), Labcorp
Classification: Uncertain significance. Last evaluated: 2022-12-22. Review status: criteria provided, single submitter. Criteria: Invitae Variant Classification Sherloc (09022015). Collection method: clinical testing. Allele origin: germline.
Comment: In summary, the available evidence is currently insufficient to determine the role of this variant in disease. Therefore, it has been classified as a Variant of Uncertain Significance. Experimental studies and prediction algorithms are not available or were not evaluated, and the functional significance of this variant is currently unknown. This variant has not been reported in the literature in individuals affected with MAGEL2-related conditions. This variant is not present in population databases (gnomAD no frequency). This sequence change replaces glycine, which is neutral and non-polar, with arginine, which is basic and polar, at codon 156 of the MAGEL2 protein (p.Gly156Arg).

NM_019066.5(MAGEL2):c.466G>A (p.Gly156Arg)

Gene: MAGEL2 (MAGE family member L2; minus strand). Cytogenetic location: 15q11.2.
Variant type: single nucleotide variant.
Coding change: c.466G>A on transcript NM_019066.5 (MANE Select); coding-DNA position 466, G replaced by A.
Protein change: p.Gly156Arg; replaces glycine 156 with arginine.
Molecular consequence: missense variant.
Genome position (GRCh38, 1-based): chr15:23,647,277, C>T on the plus strand (G>A on the coding strand, the complement: MAGEL2 is on the minus strand). VCF-style: chr15-23647277-C-T. GRCh37 (hg19) VCF-style: chr15-23892424-C-T.
Other names: short protein forms G156R.
Identifiers: ClinVar variation 2801015 (VCV002801015.3), dbSNP rs1025174436, ClinGen allele CA267661538.